The following is an entry in ClinVar:

ClinVar aggregate classification (germline): Uncertain significance. Review status: criteria provided, multiple submitters, no conflicts (2 of 4 stars). 2 submissions from 2 submitters: Uncertain significance (2). Last evaluated 2025-09-29.

Conditions:
Hereditary cancer-predisposing syndrome. Also called: Hereditary Cancer Syndrome; Tumor predisposition; Hereditary neoplastic syndrome; Neoplastic Syndromes, Hereditary. Identifiers: Orphanet 140162, MedGen C0027672, MeSH D009386, MONDO:0015356.
Neuroblastoma, susceptibility to, 3. Also called: ALK-Related Neuroblastic Tumor Susceptibility. Identifiers: Orphanet 635, MedGen C2751681, MONDO:0013083, OMIM 613014.

Submissions (2):

Ambry Genetics
Classification: Uncertain significance for Hereditary cancer-predisposing syndrome. Last evaluated: 2025-09-29. Review status: criteria provided, single submitter. Criteria: Ambry Variant Classification Scheme 2023. Collection method: clinical testing. Allele origin: germline.
Comment: The p.Y734D variant (also known as c.2200T>G), located in coding exon 12 of the ALK gene, results from a T to G substitution at nucleotide position 2200. The tyrosine at codon 734 is replaced by aspartic acid, an amino acid with highly dissimilar properties. This amino acid position is conserved. In addition, this alteration is predicted to be deleterious by in silico analysis. Based on the available evidence, the clinical significance of this variant remains unclear.

Labcorp Genetics (formerly Invitae), Labcorp
Classification: Uncertain significance for Neuroblastoma, susceptibility to, 3. Last evaluated: 2025-01-08. Review status: criteria provided, single submitter. Criteria: Invitae Variant Classification Sherloc (09022015). Collection method: clinical testing. Allele origin: germline.
Comment: This sequence change replaces tyrosine, which is neutral and polar, with aspartic acid, which is acidic and polar, at codon 734 of the ALK protein (p.Tyr734Asp). This variant is not present in population databases (gnomAD no frequency). This variant has not been reported in the literature in individuals affected with ALK-related conditions. An algorithm developed to predict the effect of missense changes on protein structure and function (PolyPhen-2) suggests that this variant is likely to be disruptive. In summary, the available evidence is currently insufficient to determine the role of this variant in disease. Therefore, it has been classified as a Variant of Uncertain Significance.

NM_004304.5(ALK):c.2200T>G (p.Tyr734Asp)

Gene: ALK (ALK receptor tyrosine kinase; minus strand). Cytogenetic location: 2p23.2.
Variant type: single nucleotide variant.
Coding change: c.2200T>G on transcript NM_004304.5 (MANE Select); coding-DNA position 2200, T replaced by G.
Protein change: p.Tyr734Asp; replaces tyrosine 734 with aspartic acid.
Molecular consequence: missense variant.
Genome position (GRCh38, 1-based): chr2:29,251,109, A>C on the plus strand (T>G on the coding strand, the complement: ALK is on the minus strand). VCF-style: chr2-29251109-A-C. GRCh37 (hg19) VCF-style: chr2-29473975-A-C.
Other names: c.2200T>G (NM_004304.4); short protein forms Y734D.
Identifiers: ClinVar variation 3673081 (VCV003673081.3).